The following is an entry in ClinVar:

NM_001429.4(EP300):c.6504G>A (p.Met2168Ile)

Gene: EP300 (EP300 lysine acetyltransferase; plus strand). Cytogenetic location: 22q13.2.
Variant type: single nucleotide variant.
Coding change: c.6504G>A on transcript NM_001429.4 (MANE Select); coding-DNA position 6504, G replaced by A.
Protein change: p.Met2168Ile; replaces methionine 2168 with isoleucine.
Molecular consequence: missense variant.
Genome position (GRCh38, 1-based): chr22:41,178,215, G>A. VCF-style: chr22-41178215-G-A. GRCh37 (hg19) VCF-style: chr22-41574219-G-A.
Other names: c.6504G>A (NM_001429.3); c.6426G>A, p.Met2142Ile (NM_001362843.2); short protein forms M2168I, M2142I.
Identifiers: ClinVar variation 134058 (VCV000134058.8), dbSNP rs566357328, ClinGen allele CA158526.
Genomic context (GRCh38, chr22:41,178,215, plus strand): 5'-GCAACCACAGCAGCAACTCCAGCCACCCATGGGAGGGATGAGCCCCCAGGCTCAGCAGAT[G>A]AACATGAACCACAACACCATGCCTTCACAATTCCGAGACATCTTGAGACGACAGCAAATG-3'
Protein context (NP_001420.2, residues 2158-2178): MGGMSPQAQQ[Met2168Ile]NMNHNTMPSQ

ClinVar aggregate classification (germline): Likely benign. Review status: criteria provided, multiple submitters, no conflicts (2 of 4 stars). 5 submissions from 5 submitters: Likely benign (4). 1 of the submissions does not count toward it. Last evaluated 2025-03-29.

Conditions:
EP300-related disorder. Also called: EP300-related condition; EP300-related disorders.
Inborn genetic diseases. Identifiers: MedGen C0950123, MeSH D030342.
Rubinstein-Taybi syndrome due to EP300 haploinsufficiency. Also called: EP300-Related Rubinstein-Taybi Syndrome; RUBINSTEIN-TAYBI SYNDROME 2. Identifiers: Orphanet 353284, Orphanet 783, MedGen C3150941, MONDO:0013364, OMIM 613684.

Allele frequency attached by ClinVar (database versions not stated): gnomAD below 0.00001 and 0.00003; TOPMed 0.00001; gnomAD exomes 0.00008 and 0.00014; 1000 Genomes Project 30x 0.00016; ExAC 0.00017; 1000 Genomes Project 0.00020.
gnomAD v4.1: 123 of 1,613,976 alleles (0.0076%); highest among the groups gnomAD compares: South Asian, 0.13%; no homozygotes.

Submissions (5):

Labcorp Genetics (formerly Invitae), Labcorp
Classification: Likely benign for Rubinstein-Taybi syndrome due to EP300 haploinsufficiency. Last evaluated: 2025-03-29. Review status: criteria provided, single submitter. Criteria: Invitae Variant Classification Sherloc (09022015). Collection method: clinical testing. Allele origin: germline.

PreventionGenetics, part of Exact Sciences
Classification: Likely benign for EP300-related condition. Last evaluated: 2025-01-17. Review status: criteria provided, single submitter. Criteria: ACMG Guidelines, 2015. Collection method: clinical testing. Allele origin: germline.
Comment: This variant is classified as likely benign based on ACMG/AMP sequence variant interpretation guidelines (Richards et al. 2015 PMID: 25741868, with internal and published modifications).

Blueprint Genetics
Classification: Likely benign. Last evaluated: 2024-11-19. Review status: criteria provided, single submitter. Criteria: ACMG Guidelines, 2015. Collection method: clinical testing. Allele origin: germline.

Ambry Genetics
Classification: Likely benign for Inborn genetic diseases. Last evaluated: 2022-03-17. Review status: criteria provided, single submitter. Criteria: Ambry Variant Classification Scheme 2023. Collection method: clinical testing. Allele origin: germline.

ITMI
No classification provided. Condition: AllHighlyPenetrant. Last evaluated: 2013-09-19. Review status: no classification provided. Collection method: reference population. Allele origin: germline. Not counted in ClinVar's aggregate classification.
Comment: Please see associated publication for description of ethnicities

Literature cited by the submitters: PubMed 24728327 (cited by ITMI).